The following is an entry in ClinVar:

ClinVar aggregate classification (germline): Likely benign (0 of 4 stars; one submission).

Conditions:
PIEZO1-related disorder. Also called: PIEZO1-related condition; PIEZO1-Related Disorders.

gnomAD v4.1: 95 of 1,550,374 alleles (0.0061%); highest among the groups gnomAD compares: East Asian, 0.22%; no homozygotes.

Submission:

PreventionGenetics, part of Exact Sciences
Classification: Likely benign for PIEZO1-related condition. Last evaluated: 2024-04-30. Review status: no assertion criteria provided. Collection method: clinical testing. Allele origin: germline.
Comment: This variant is classified as likely benign based on ACMG/AMP sequence variant interpretation guidelines (Richards et al. 2015 PMID: 25741868, with internal and published modifications).

NM_001142864.4(PIEZO1):c.3924G>C (p.Leu1308=)

Gene: PIEZO1 (piezo type mechanosensitive ion channel component 1 (Er blood group); minus strand). Cytogenetic location: 16q24.3.
Variant type: single nucleotide variant.
Coding change: c.3924G>C on transcript NM_001142864.4 (MANE Select); coding-DNA position 3924, G replaced by C.
Protein change: p.Leu1308=; no amino-acid change (leucine 1308 retained).
Molecular consequence: synonymous variant.
Genome position (GRCh38, 1-based): chr16:88,726,328, C>G on the plus strand (G>C on the coding strand, the complement: PIEZO1 is on the minus strand). VCF-style: chr16-88726328-C-G. GRCh37 (hg19) VCF-style: chr16-88792736-C-G.
Identifiers: ClinVar variation 3352825 (VCV003352825.1).